The following is an entry in ClinVar:

NM_032043.3(BRIP1):c.3119A>C (p.Lys1040Thr)

Gene: BRIP1 (BRCA1 interacting DNA helicase 1; minus strand). Cytogenetic location: 17q23.2.
Variant type: single nucleotide variant.
Coding change: c.3119A>C on transcript NM_032043.3 (MANE Select); coding-DNA position 3119, A replaced by C.
Protein change: p.Lys1040Thr; replaces lysine 1040 with threonine.
Molecular consequence: missense variant.
Genome position (GRCh38, 1-based): chr17:61,683,927, T>G on the plus strand (A>C on the coding strand, the complement: BRIP1 is on the minus strand). VCF-style: chr17-61683927-T-G. GRCh37 (hg19) VCF-style: chr17-59761288-T-G.
Other names: short protein forms K1040T.
Identifiers: ClinVar variation 479419 (VCV000479419.5), dbSNP rs1555572833, ClinGen allele CA400479673.
Genomic context (GRCh38, chr17:61,683,927, plus strand): 5'-ACTGTCAGATTTGAGGATTCACATTTATCAGTGAAGGGCAAAACAGTTTTACTTTCCATC[T>G]TCTCTGTTTTGAAACGGGGAGGACTAGAGGCACTATTCTCTGATGACCCGAGCTCAGGTG-3'
Protein context (NP_114432.2, residues 1030-1050): ASSPPRFKTE[Lys1040Thr]MESKTVLPFT

ClinVar aggregate classification (germline): Uncertain significance (1 of 4 stars; one submission).

Conditions:
Hereditary cancer-predisposing syndrome. Also called: Neoplastic Syndromes, Hereditary; Hereditary Cancer Syndrome; Hereditary neoplastic syndrome; Tumor predisposition. Identifiers: Orphanet 140162, MedGen C0027672, MeSH D009386, MONDO:0015356.

Submission:

Ambry Genetics
Classification: Uncertain significance for Hereditary cancer-predisposing syndrome. Last evaluated: 2016-02-24. Review status: criteria provided, single submitter. Criteria: Ambry Variant Classification Scheme 2023. Collection method: clinical testing. Allele origin: germline.
Comment: The p.K1040T variant (also known as c.3119A>C), located in coding exon 19 of the BRIP1 gene, results from an A to C substitution at nucleotide position 3119. The lysine at codon 1040 is replaced by threonine, an amino acid with similar properties. To date, this alteration has been detected with an allele frequency of approximately 0.001% (greater than 120000 alleles tested) in our clinical cohort. This variant was not reported in population based cohorts in the following databases: Database of Single Nucleotide Polymorphisms (dbSNP), NHLBI Exome Sequencing Project (ESP), and 1000 Genomes Project. In the ESP, this variant was not observed in 6503 samples (13006 alleles) with coverage at this position. This amino acid position is well conserved in available vertebrate species. In addition, this alteration is predicted to be tolerated by in silico analysis. Since supporting evidence is limited at this time, the clinical significance of this alteration remains unclear.